The following is an entry in ClinVar:

NM_002473.6(MYH9):c.4981C>G (p.Arg1661Gly)

Gene: MYH9 (myosin heavy chain 9; minus strand). Cytogenetic location: 22q12.3.
Variant type: single nucleotide variant.
Coding change: c.4981C>G on transcript NM_002473.6 (MANE Select); coding-DNA position 4981, C replaced by G.
Protein change: p.Arg1661Gly; replaces arginine 1661 with glycine.
Molecular consequence: missense variant.
Genome position (GRCh38, 1-based): chr22:36,286,798, G>C on the plus strand (C>G on the coding strand, the complement: MYH9 is on the minus strand). VCF-style: chr22-36286798-G-C. GRCh37 (hg19) VCF-style: chr22-36682844-G-C.
Other names: short protein forms R1661G.
Identifiers: ClinVar variation 2303940 (VCV002303940.5), dbSNP rs760844584, ClinGen allele CA411374538.

ClinVar aggregate classification (germline): Uncertain significance. Review status: criteria provided, multiple submitters, no conflicts (2 of 4 stars). 3 submissions from 3 submitters: Uncertain significance (3). Last evaluated 2026-07-15.

Conditions:
MYH9-related disorder. Identifiers: MedGen C1854520.
Inborn genetic diseases. Identifiers: MedGen C0950123, MeSH D030342.

gnomAD v4.1: 5 of 1,612,236 alleles (0.00031%); highest among the groups gnomAD compares: Admixed American, 0.005%; no homozygotes.

Submissions (3):

PreventionGenetics, part of Exact Sciences
Classification: Uncertain significance for MYH9-related condition. Last evaluated: 2026-07-15. Review status: criteria provided, single submitter. Criteria: ACMG Guidelines, 2015. Collection method: clinical testing. Allele origin: germline.
Comment: The MYH9 c.4981C>G variant is predicted to result in the amino acid substitution p.Arg1661Gly. To our knowledge, this variant has not been reported in the literature. This variant is reported in 0.0087% of alleles in individuals of Latino descent in gnomAD. At this time, the clinical significance of this variant is uncertain due to the absence of conclusive functional and genetic evidence.

Labcorp Genetics (formerly Invitae), Labcorp
Classification: Uncertain significance. Last evaluated: 2024-09-24. Review status: criteria provided, single submitter. Criteria: Invitae Variant Classification Sherloc (09022015). Collection method: clinical testing. Allele origin: germline.
Comment: This sequence change replaces arginine, which is basic and polar, with glycine, which is neutral and non-polar, at codon 1661 of the MYH9 protein (p.Arg1661Gly). This variant is present in population databases (no rsID available, gnomAD 0.006%). This variant has not been reported in the literature in individuals affected with MYH9-related conditions. ClinVar contains an entry for this variant (Variation ID: 2303940). Invitae Evidence Modeling of protein sequence and biophysical properties (such as structural, functional, and spatial information, amino acid conservation, physicochemical variation, residue mobility, and thermodynamic stability) has been performed for this missense variant. However, the output from this modeling did not meet the statistical confidence thresholds required to predict the impact of this variant on MYH9 protein function. In summary, the available evidence is currently insufficient to determine the role of this variant in disease. Therefore, it has been classified as a Variant of Uncertain Significance.

Ambry Genetics
Classification: Uncertain significance for Inborn genetic diseases. Last evaluated: 2022-07-27. Review status: criteria provided, single submitter. Criteria: Ambry Variant Classification Scheme 2023. Collection method: clinical testing. Allele origin: germline.